The following is an entry in ClinVar:

ClinVar aggregate classification (germline): Conflicting classifications of pathogenicity. Review status: criteria provided, conflicting classifications (1 of 4 stars). 2 submissions from 2 submitters: Uncertain significance (1); Likely benign (1). Last evaluated 2025-11-15.

Allele frequency attached by ClinVar (database versions not stated): ExAC 0.00011; gnomAD exomes 0.00006 and 0.00014; gnomAD 0.00005; TOPMed 0.00008.
gnomAD v4.1: 43 of 1,613,898 alleles (0.0027%); highest among the groups gnomAD compares: Admixed American, 0.07%; no homozygotes.

Submissions (2):

Labcorp Genetics (formerly Invitae), Labcorp
Classification: Likely benign. Last evaluated: 2025-11-15. Review status: criteria provided, single submitter. Criteria: Invitae Variant Classification Sherloc (09022015). Collection method: clinical testing. Allele origin: germline.

GeneDx
Classification: Uncertain significance. Last evaluated: 2022-06-07. Review status: criteria provided, single submitter. Criteria: GeneDx Variant Classification Process June 2021. Collection method: clinical testing. Allele origin: germline. Affected: yes.
Comment: In silico analysis supports that this variant does not alter splicing; Has not been previously published as pathogenic or benign to our knowledge

NM_138691.3(TMC1):c.885-11T>C

Gene: TMC1 (transmembrane channel like 1; plus strand). Cytogenetic location: 9q21.13.
Variant type: single nucleotide variant.
Coding change: c.885-11T>C on transcript NM_138691.3 (MANE Select); 11 bases into the intron before coding-DNA position 885, T replaced by C.
Molecular consequence: intron variant.
Genome position (GRCh38, 1-based): chr9:72,788,328, T>C. VCF-style: chr9-72788328-T-C. GRCh37 (hg19) VCF-style: chr9-75403244-T-C.
Identifiers: ClinVar variation 1693317 (VCV001693317.5), dbSNP rs768694342, ClinGen allele CA5081822.